The following is an entry in ClinVar:

NM_000199.5(SGSH):c.1367G>A (p.Arg456His)

Gene: SGSH (N-sulfoglucosamine sulfohydrolase; minus strand). Cytogenetic location: 17q25.3.
Variant type: single nucleotide variant.
Coding change: c.1367G>A on transcript NM_000199.5 (MANE Select); coding-DNA position 1367, G replaced by A.
Protein change: p.Arg456His; replaces arginine 456 with histidine.
Molecular consequence: missense variant. On other transcripts: 3 prime UTR variant (2), non-coding transcript variant (1).
Genome position (GRCh38, 1-based): chr17:80,210,594, C>T on the plus strand (G>A on the coding strand, the complement: SGSH is on the minus strand). VCF-style: chr17-80210594-C-T. GRCh37 (hg19) VCF-style: chr17-78184393-C-T.
Other names: c.*454G>A (NM_001352921.3); c.*417G>A (NM_001352922.2); short protein forms R456H.
Identifiers: ClinVar variation 92610 (VCV000092610.32), dbSNP rs7503034, ClinGen allele CA145862.

ClinVar aggregate classification (germline): Benign. Review status: criteria provided, multiple submitters, no conflicts (2 of 4 stars). 14 submissions from 14 submitters: Benign (10). 4 of the submissions do not count toward it. Last evaluated 2026-02-04.

Conditions:
Mucopolysaccharidosis, MPS-III-A (MPS3A). Also called: Mucopolysaccharidosis type IIIA (Sanfilippo A); Mucopolysaccharidosis, type IIIA; HEPARAN SULFATE SULFATASE DEFICIENCY; mucopolysaccharidosis type 3A; MPS IIIA (Sanfilippo Syndrome Type A); SANFILIPPO SYNDROME A. Identifiers: Orphanet 581, Orphanet 79269, MedGen C0086647, MONDO:0009655, OMIM 252900.

Allele frequency attached by ClinVar (database versions not stated): ESP Exome Variant Server 0.29394; gnomAD 0.31021 and 0.31647; 1000 Genomes Project 30x 0.34244; gnomAD exomes 0.36862 and 0.33892; TOPMed 0.32084; 1000 Genomes Project 0.34585; ExAC 0.35916.

Submissions (14):

Labcorp Genetics (formerly Invitae), Labcorp
Classification: Benign for Mucopolysaccharidosis, MPS-III-A. Last evaluated: 2026-02-04. Review status: criteria provided, single submitter. Criteria: Invitae Variant Classification Sherloc (09022015). Collection method: clinical testing. Allele origin: germline.

Blueprint Genetics
Classification: Benign. Last evaluated: 2024-11-28. Review status: criteria provided, single submitter. Criteria: ACMG Guidelines, 2015. Collection method: clinical testing. Allele origin: germline.

Genome-Nilou Lab
Classification: Benign for Mucopolysaccharidosis, MPS-III-A. Last evaluated: 2021-11-07. Review status: criteria provided, single submitter. Criteria: ACMG Guidelines, 2015. Collection method: clinical testing. Allele origin: germline. Affected: no.

Illumina Laboratory Services, Illumina
Classification: Benign for Mucopolysaccharidosis, MPS-III-A. Last evaluated: 2018-01-13. Review status: criteria provided, single submitter. Criteria: ICSL Variant Classification Criteria 13 December 2019. Collection method: clinical testing. Allele origin: germline.
Comment: This variant was observed in the ICSL laboratory as part of a predisposition screen in an ostensibly healthy population. It had not been previously curated by ICSL or reported in the Human Gene Mutation Database (HGMD: prior to June 1st, 2018), and was therefore a candidate for classification through an automated scoring system. Utilizing variant allele frequency, disease prevalence and penetrance estimates, and inheritance mode, an automated score was calculated to assess if this variant is too frequent to cause the disease. Based on the score and internal cut-off values, a variant classified as benign is not then subjected to further curation. The score for this variant resulted in a classification of benign for this disease.

Women's Health and Genetics/Laboratory Corporation of America, LabCorp
Classification: Benign. Last evaluated: 2016-12-05. Review status: criteria provided, single submitter. Criteria: LabCorp Variant Classification Summary - May 2015. Collection method: clinical testing. Allele origin: germline.
Comment: Variant summary: The SGSH c.1367G>A (p.Arg456His) variant involves the alteration of a non-conserved nucleotide. 2/3 in silico tools predict a benign outcome for this variant. This variant was found in 42217/117544 control chromosomes (including 7750 homozygotes) at a frequency of 0.3591591, which is approximately 111 times the estimated maximal expected allele frequency of a pathogenic SGSH variant (0.0032275), suggesting this variant is a common benign polymorphism. In addition, clinical diagnostic laboratories/reputable databases have classified this variant as benign. Taken together, this variant is classified as Benign.

Clinical Genetics DNA and cytogenetics Diagnostics Lab, Erasmus MC, Erasmus Medical Center
Classification: Benign for Mucopolysaccharidosis, MPS-III-A. Last evaluated: 2015-09-21. Review status: criteria provided, single submitter. Criteria: ACGS Guidelines, 2013. Collection method: clinical testing. Allele origin: germline. Affected: yes. Study: VKGL Data-share Consensus.

GeneDx
Classification: Benign. Last evaluated: 2015-03-03. Review status: criteria provided, single submitter. Criteria: GeneDx Variant Classification Process June 2021. Collection method: clinical testing. Allele origin: germline. Affected: yes.

Eurofins Ntd Llc (ga)
Classification: Benign. Last evaluated: 2013-12-23. Review status: criteria provided, single submitter. Criteria: EGL Classification Definitions 2015. Collection method: clinical testing. Allele origin: germline. Observed: 83 variant alleles, 61 heterozygotes, 22 homozygotes.

Breakthrough Genomics
Classification: Benign. Review status: criteria provided, single submitter. Criteria: ACMG Guidelines, 2015. Collection method: not provided. Allele origin: germline. Inheritance: Autosomal recessive inheritance. Affected: yes.

PreventionGenetics, part of Exact Sciences
Classification: Benign. Review status: criteria provided, single submitter. Criteria: ACMG Guidelines, 2015. Collection method: clinical testing. Allele origin: germline.

Natera, Inc.
Classification: Benign for Mucopolysaccharidosis type IIIA. Last evaluated: 2020-09-16. Review status: no assertion criteria provided. Collection method: clinical testing. Allele origin: germline. Not counted in ClinVar's aggregate classification.

Mayo Clinic Laboratories, Mayo Clinic
Classification: Benign. Last evaluated: 2015-10-22. Review status: no assertion criteria provided. Collection method: clinical testing. Allele origin: unknown. Not counted in ClinVar's aggregate classification.

Clinical Genetics, Academic Medical Center
Classification: Benign. Review status: no assertion criteria provided. Collection method: clinical testing. Allele origin: germline. Affected: yes. Study: VKGL Data-share Consensus. Not counted in ClinVar's aggregate classification.

Joint Genome Diagnostic Labs from Nijmegen and Maastricht, Radboudumc and MUMC+
Classification: Benign. Review status: no assertion criteria provided. Collection method: clinical testing. Allele origin: germline. Affected: yes. Study: VKGL Data-share Consensus. Not counted in ClinVar's aggregate classification.